The following is an entry in ClinVar:

ClinVar aggregate classification (germline): Benign/Likely benign. Review status: criteria provided, multiple submitters, no conflicts (2 of 4 stars). 8 submissions from 8 submitters: Benign (4); Likely benign (2). 2 of the submissions do not count toward it. Last evaluated 2026-02-03.

Conditions:
Inborn genetic diseases. Identifiers: MedGen C0950123, MeSH D030342.
Neuronal ceroid lipofuscinosis 8 northern epilepsy variant. Also called: NORTHERN EPILEPSY; EPILEPSY, PROGRESSIVE, WITH MENTAL RETARDATION. Identifiers: Orphanet 1947, MedGen C1864923, MONDO:0012391, OMIM 610003.
Neuronal ceroid lipofuscinosis 8 (CLN8). Also called: CLN8-Related Neuronal Ceroid-Lipofuscinosis. Identifiers: Orphanet 168491, Orphanet 228354, Orphanet 79264, MedGen C1838570, MONDO:0010830, OMIM 600143.
Neuronal ceroid lipofuscinosis. Also called: Neuronal Ceroid Lipofuscinoses. Identifiers: Orphanet 216, Orphanet 79263, MedGen C0027877, MONDO:0016295. Disease mechanism: loss of function.

Allele frequency attached by ClinVar (database versions not stated): gnomAD exomes 0.00026 and 0.00074; ExAC 0.00107; 1000 Genomes Project 0.00240; 1000 Genomes Project 30x 0.00265; gnomAD 0.00315 and 0.00334; TOPMed 0.00337; ESP Exome Variant Server 0.00500.
gnomAD v4.1: 874 of 1,614,164 alleles (0.054%); highest among the groups gnomAD compares: African/African-American, 1%; 5 homozygotes.

Submissions (8):

Labcorp Genetics (formerly Invitae), Labcorp
Classification: Benign for Neuronal ceroid lipofuscinosis. Last evaluated: 2026-02-03. Review status: criteria provided, single submitter. Criteria: Invitae Variant Classification Sherloc (09022015). Collection method: clinical testing. Allele origin: germline.

CeGaT Center for Human Genetics Tuebingen
Classification: Likely benign. Last evaluated: 2025-11-01. Review status: criteria provided, single submitter. Criteria: CeGaT Center For Human Genetics Tuebingen Variant Classification Criteria Version 2. Collection method: clinical testing. Allele origin: germline. Affected: yes. Observed: 1 variant allele.
Comment: CLN8: BP4, BP7, BS1

Fulgent Genetics
Classification: Likely benign for Neuronal ceroid lipofuscinosis 8; Neuronal ceroid lipofuscinosis 8 northern epilepsy variant. Last evaluated: 2021-10-13. Review status: criteria provided, single submitter. Criteria: ACMG Guidelines, 2015. Collection method: clinical testing. Allele origin: unknown.

Athena Diagnostics
Classification: Benign. Last evaluated: 2019-05-24. Review status: criteria provided, single submitter. Criteria: Athena Diagnostics Criteria. Collection method: clinical testing. Allele origin: germline.

Ambry Genetics
Classification: Benign for Inborn genetic diseases. Last evaluated: 2016-06-27. Review status: criteria provided, single submitter. Criteria: Ambry Variant Classification Scheme 2023. Collection method: clinical testing. Allele origin: germline.

GeneDx
Classification: Benign. Last evaluated: 2013-01-14. Review status: criteria provided, single submitter. Criteria: GeneDx Variant Classification (06012015). Collection method: clinical testing. Allele origin: germline. Affected: yes.
Comment: This variant is considered likely benign or benign based on one or more of the following criteria: it is a conservative change, it occurs at a poorly conserved position in the protein, it is predicted to be benign by multiple in silico algorithms, and/or has population frequency not consistent with disease.

Clinical Genetics DNA and cytogenetics Diagnostics Lab, Erasmus MC, Erasmus Medical Center
Classification: Benign. Review status: no assertion criteria provided. Collection method: clinical testing. Allele origin: germline. Affected: yes. Study: VKGL Data-share Consensus. Not counted in ClinVar's aggregate classification.

Genome Diagnostics Laboratory, University Medical Center Utrecht
Classification: Likely benign. Review status: no assertion criteria provided. Collection method: clinical testing. Allele origin: germline. Affected: yes. Study: VKGL Data-share Consensus. Not counted in ClinVar's aggregate classification.

NM_018941.4(CLN8):c.777T>C (p.Asn259=)

Gene: CLN8 (CLN8 transmembrane ER and ERGIC protein; plus strand). Cytogenetic location: 8p23.3.
Variant type: single nucleotide variant.
Coding change: c.777T>C on transcript NM_018941.4 (MANE Select); coding-DNA position 777, T replaced by C.
Protein change: p.Asn259=; no amino-acid change (asparagine 259 retained).
Molecular consequence: synonymous variant.
Genome position (GRCh38, 1-based): chr8:1,780,483, T>C. VCF-style: chr8-1780483-T-C. GRCh37 (hg19) VCF-style: chr8-1728649-T-C.
Other names: p.N259N:AAT>AAC.
Identifiers: ClinVar variation 136803 (VCV000136803.25), dbSNP rs34814682, ClinGen allele CA290152.